The following is an entry in ClinVar:

ClinVar aggregate classification (germline): Uncertain significance (1 of 4 stars; one submission).

Submission:

Labcorp Genetics (formerly Invitae), Labcorp
Classification: Uncertain significance. Last evaluated: 2023-02-19. Review status: criteria provided, single submitter. Criteria: Invitae Variant Classification Sherloc (09022015). Collection method: clinical testing. Allele origin: germline.
Comment: In summary, the available evidence is currently insufficient to determine the role of this variant in disease. Therefore, it has been classified as a Variant of Uncertain Significance. Advanced modeling of protein sequence and biophysical properties (such as structural, functional, and spatial information, amino acid conservation, physicochemical variation, residue mobility, and thermodynamic stability) performed at Invitae indicates that this missense variant is expected to disrupt FBLN5 protein function. This variant has not been reported in the literature in individuals affected with FBLN5-related conditions. This variant is not present in population databases (gnomAD no frequency). This sequence change replaces cysteine, which is neutral and slightly polar, with tryptophan, which is neutral and slightly polar, at codon 217 of the FBLN5 protein (p.Cys217Trp).

NM_006329.4(FBLN5):c.651C>G (p.Cys217Trp)

Gene: FBLN5 (fibulin 5; minus strand). Cytogenetic location: 14q32.12.
Variant type: single nucleotide variant.
Coding change: c.651C>G on transcript NM_006329.4 (MANE Select); coding-DNA position 651, C replaced by G.
Protein change: p.Cys217Trp; replaces cysteine 217 with tryptophan.
Molecular consequence: missense variant.
Genome position (GRCh38, 1-based): chr14:91,887,281, G>C on the plus strand (C>G on the coding strand, the complement: FBLN5 is on the minus strand). VCF-style: chr14-91887281-G-C. GRCh37 (hg19) VCF-style: chr14-92353625-G-C.
Other names: c.774C>G, p.Cys258Trp (NM_001384158.1); c.702C>G, p.Cys234Trp (NM_001384159.1); c.651C>G, p.Cys217Trp (NM_001384160.1); c.483C>G, p.Cys161Trp (NM_001384161.1, NM_001384162.1); short protein forms C234W, C217W, C161W, C258W.
Identifiers: ClinVar variation 2838985 (VCV002838985.3), dbSNP rs778454244, ClinGen allele CA390642719.